The following is an entry in ClinVar:

NM_152879.3(DGKD):c.3425-6C>T

Gene: DGKD (diacylglycerol kinase delta; plus strand). Cytogenetic location: 2q37.1.
Variant type: single nucleotide variant.
Coding change: c.3425-6C>T on transcript NM_152879.3 (MANE Select); 6 bases into the intron before coding-DNA position 3425, C replaced by T.
Molecular consequence: intron variant.
Genome position (GRCh38, 1-based): chr2:233,468,417, C>T. VCF-style: chr2-233468417-C-T. GRCh37 (hg19) VCF-style: chr2-234377063-C-T.
Other names: c.3293-6C>T (NM_003648.3).
Identifiers: ClinVar variation 716840 (VCV000716840.6), dbSNP rs139714904, ClinGen allele CA2176085.
Genomic context (GRCh38, chr2:233,468,417, plus strand): 5'-AGCTGCTGCCTACCTTGCACTGGGCTCTGGGCACTCACTGCACTCGTGCTTTTCCATCTC[C>T]GACAGTTCACCTCTGGGGGACAGAGGAGGTTGCTGCCTGGCTGGAGCACCTCAGTCTCTG-3'

ClinVar aggregate classification (germline): Benign. Review status: criteria provided, single submitter (1 of 4 stars). 2 submissions from 2 submitters: Benign (1). 1 of the submissions does not count toward it. Last evaluated 2019-12-31.

Conditions:
DGKD-related disorder. Also called: DGKD-related condition.

Allele frequency attached by ClinVar (database versions not stated): gnomAD exomes 0.00036 and 0.00078; ExAC 0.00092; 1000 Genomes Project 30x 0.00187; 1000 Genomes Project 0.00200; gnomAD 0.00312 and 0.00340; ESP Exome Variant Server 0.00323; TOPMed 0.00382.
gnomAD v4.1: 1,010 of 1,612,768 alleles (0.063%); highest among the groups gnomAD compares: African/African-American, 1.2%; 4 homozygotes.

Submissions (2):

Labcorp Genetics (formerly Invitae), Labcorp
Classification: Benign. Last evaluated: 2019-12-31. Review status: criteria provided, single submitter. Criteria: Invitae Variant Classification Sherloc (09022015). Collection method: clinical testing. Allele origin: germline.

PreventionGenetics, part of Exact Sciences
Classification: Benign for DGKD-related condition. Last evaluated: 2019-11-06. Review status: no assertion criteria provided. Collection method: clinical testing. Allele origin: germline. Not counted in ClinVar's aggregate classification.
Comment: This variant is classified as benign based on ACMG/AMP sequence variant interpretation guidelines (Richards et al. 2015 PMID: 25741868, with internal and published modifications).